The following is an entry in ClinVar:

NM_002160.4(TNC):c.157G>A (p.Val53Ile)

Gene: TNC (tenascin C; minus strand). Cytogenetic location: 9q33.1.
Variant type: single nucleotide variant.
Coding change: c.157G>A on transcript NM_002160.4 (MANE Select); coding-DNA position 157, G replaced by A.
Protein change: p.Val53Ile; replaces valine 53 with isoleucine.
Molecular consequence: missense variant.
Genome position (GRCh38, 1-based): chr9:115,090,862, C>T on the plus strand (G>A on the coding strand, the complement: TNC is on the minus strand). VCF-style: chr9-115090862-C-T. GRCh37 (hg19) VCF-style: chr9-117853141-C-T.
Other names: c.157G>A, p.Val53Ile (NM_001410991.1, NM_001439065.1, NM_001439066.1 and 35 more transcripts); short protein forms V53I.
Identifiers: ClinVar variation 4980260 (VCV004980260.1).

ClinVar aggregate classification (germline): Uncertain significance (1 of 4 stars; one submission).

Conditions:
TNC-related disorder. Also called: TNC-related condition.

gnomAD v4.1: 65 of 1,614,210 alleles (0.004%); highest among the groups gnomAD compares: East Asian, 0.025%; no homozygotes.

Submission:

PreventionGenetics, part of Exact Sciences
Classification: Uncertain significance for TNC-related condition. Last evaluated: 2025-12-18. Review status: criteria provided, single submitter. Criteria: ACMG Guidelines, 2015. Collection method: clinical testing. Allele origin: germline.
Comment: The TNC c.157G>A variant is predicted to result in the amino acid substitution p.Val53Ile. To our knowledge, this variant has not been reported in the literature. This variant is reported in 0.035% of alleles in individuals of East Asian descent in gnomAD. Although we suspect that this variant may be benign, at this time, the clinical significance of this variant is uncertain due to the absence of conclusive functional and genetic evidence.